The following is an entry in ClinVar:

ClinVar aggregate classification (germline): Benign (0 of 4 stars; one submission).

Conditions:
CELSR2-related disorder. Also called: CELSR2-related condition.

Allele frequency attached by ClinVar (database versions not stated): gnomAD 0.00058; TOPMed 0.00066; ExAC 0.00113; 1000 Genomes Project 30x 0.00219; 1000 Genomes Project 0.00260.

Submission:

PreventionGenetics, part of Exact Sciences
Classification: Benign for CELSR2-related condition. Last evaluated: 2019-07-13. Review status: no assertion criteria provided. Collection method: clinical testing. Allele origin: germline.
Comment: This variant is classified as benign based on ACMG/AMP sequence variant interpretation guidelines (Richards et al. 2015 PMID: 25741868, with internal and published modifications).

NM_001408.3(CELSR2):c.2084C>T (p.Thr695Met)

Gene: CELSR2 (cadherin EGF LAG seven-pass G-type receptor 2; plus strand). Cytogenetic location: 1p13.3.
Variant type: single nucleotide variant.
Coding change: c.2084C>T on transcript NM_001408.3 (MANE Select); coding-DNA position 2084, C replaced by T.
Protein change: p.Thr695Met; replaces threonine 695 with methionine.
Molecular consequence: missense variant.
Genome position (GRCh38, 1-based): chr1:109,252,163, C>T. VCF-style: chr1-109252163-C-T. GRCh37 (hg19) VCF-style: chr1-109794785-C-T.
Other names: short protein forms T695M.
Identifiers: ClinVar variation 3050522 (VCV003050522.2), dbSNP rs117469174, ClinGen allele CA986683.
Genomic context (GRCh38, chr1:109,252,163, plus strand): 5'-ACAAACTTGAGCGGCAGTATGTGTTGGCTGTTACCGCCTCCGATGGCACTCGGCAGGACA[C>T]GGCACAGATTGTGGTGAATGTCACCGACGCCAACACCCATCGTCCTGTCTTTCAGAGCTC-3'
Protein context (NP_001399.1, residues 685-705): VTASDGTRQD[Thr695Met]AQIVVNVTDA